The following is an entry in ClinVar:

ClinVar aggregate classification (germline): Benign/Likely benign. Review status: criteria provided, multiple submitters, no conflicts (2 of 4 stars). 4 submissions from 4 submitters: Benign (1); Likely benign (3). Last evaluated 2024-02-08.

Conditions:
Hereditary cancer-predisposing syndrome. Also called: Hereditary Cancer Syndrome; Tumor predisposition; Neoplastic Syndromes, Hereditary; Hereditary neoplastic syndrome. Identifiers: Orphanet 140162, MedGen C0027672, MeSH D009386, MONDO:0015356.
Tuberous sclerosis 1 (TSC1). Identifiers: Orphanet 805, MedGen C1854465, MONDO:0008612, OMIM 191100.

Submissions (4):

Labcorp Genetics (formerly Invitae), Labcorp
Classification: Likely benign for Tuberous sclerosis 1. Last evaluated: 2024-02-08. Review status: criteria provided, single submitter. Criteria: Invitae Variant Classification Sherloc (09022015). Collection method: clinical testing. Allele origin: germline.

Ambry Genetics
Classification: Likely benign for Hereditary cancer-predisposing syndrome. Last evaluated: 2023-06-26. Review status: criteria provided, single submitter. Criteria: Ambry Variant Classification Scheme 2023. Collection method: clinical testing. Allele origin: germline.

Genome-Nilou Lab
Classification: Benign for Tuberous sclerosis 1. Last evaluated: 2021-11-07. Review status: criteria provided, single submitter. Criteria: ACMG Guidelines, 2015. Collection method: clinical testing. Allele origin: germline. Affected: no.

GeneDx
Classification: Likely benign. Last evaluated: 2017-09-20. Review status: criteria provided, single submitter. Criteria: GeneDx Variant Classification (06012015). Collection method: clinical testing. Allele origin: germline. Affected: yes.
Comment: This variant is considered likely benign or benign based on one or more of the following criteria: it is a conservative change, it occurs at a poorly conserved position in the protein, it is predicted to be benign by multiple in silico algorithms, and/or has population frequency not consistent with disease.

NM_000368.5(TSC1):c.2499A>G (p.Gln833=)

Gene: TSC1 (TSC complex subunit 1; minus strand). Cytogenetic location: 9q34.13.
Variant type: single nucleotide variant.
Coding change: c.2499A>G on transcript NM_000368.5 (MANE Select); coding-DNA position 2499, A replaced by G.
Protein change: p.Gln833=; no amino-acid change (glutamine 833 retained).
Molecular consequence: synonymous variant.
Genome position (GRCh38, 1-based): chr9:132,901,592, T>C on the plus strand (A>G on the coding strand, the complement: TSC1 is on the minus strand). VCF-style: chr9-132901592-T-C. GRCh37 (hg19) VCF-style: chr9-135776979-T-C.
Other names: c.2496A>G, p.Gln832= (NM_001162426.2); c.2346A>G, p.Gln782= (NM_001162427.2); c.2136A>G, p.Gln712= (NM_001362177.2).
Identifiers: ClinVar variation 512025 (VCV000512025.13), dbSNP rs1554814615, ClinGen allele CA467590424.